The following is an entry in ClinVar:

NM_001845.6(COL4A1):c.3103G>A (p.Gly1035Ser)

Gene: COL4A1 (collagen type IV alpha 1 chain; minus strand). Cytogenetic location: 13q34.
Variant type: single nucleotide variant.
Coding change: c.3103G>A on transcript NM_001845.6 (MANE Select); coding-DNA position 3103, G replaced by A.
Protein change: p.Gly1035Ser; replaces glycine 1035 with serine.
Molecular consequence: missense variant.
Genome position (GRCh38, 1-based): chr13:110,175,313, C>T on the plus strand (G>A on the coding strand, the complement: COL4A1 is on the minus strand). VCF-style: chr13-110175313-C-T. GRCh37 (hg19) VCF-style: chr13-110827660-C-T.
Other names: p.Gly1035Ser; short protein forms G1035S.
Identifiers: ClinVar variation 3381101 (VCV003381101.1).

ClinVar aggregate classification (germline): Likely pathogenic (1 of 4 stars; one submission).

Submission:

Mayo Clinic Laboratories, Mayo Clinic
Classification: Likely pathogenic. Last evaluated: 2024-08-22. Review status: criteria provided, single submitter. Criteria: ACMG Guidelines, 2015. Collection method: clinical testing. Allele origin: germline. Observed: 1 variant allele.
Comment: PP3, PM1, PM2, PM5